The following is an entry in ClinVar:

NM_024685.4(BBS10):c.301A>G (p.Thr101Ala)

Gene: BBS10 (Bardet-Biedl syndrome 10; minus strand). Cytogenetic location: 12q21.2.
Variant type: single nucleotide variant.
Coding change: c.301A>G on transcript NM_024685.4 (MANE Select); coding-DNA position 301, A replaced by G.
Protein change: p.Thr101Ala; replaces threonine 101 with alanine.
Molecular consequence: missense variant.
Genome position (GRCh38, 1-based): chr12:76,347,684, T>C on the plus strand (A>G on the coding strand, the complement: BBS10 is on the minus strand). VCF-style: chr12-76347684-T-C. GRCh37 (hg19) VCF-style: chr12-76741464-T-C.
Other names: c.301A>G (NM_024685.3); short protein forms T101A.
Identifiers: ClinVar variation 2155967 (VCV002155967.2), dbSNP rs1436717561, ClinGen allele CA385815808.

ClinVar aggregate classification (germline): Uncertain significance. Review status: criteria provided, multiple submitters, no conflicts (2 of 4 stars). 2 submissions from 2 submitters: Uncertain significance (2). Last evaluated 2025-10-20.

Conditions:
BBS10-related disorder. Also called: BBS10-related condition.
Bardet-Biedl syndrome (BBS). Identifiers: Orphanet 110, MedGen C0752166, MONDO:0015229.

gnomAD v4.1: 1 of 1,613,170 alleles (0.000062%); highest among the groups gnomAD compares: Non-Finnish European, 0.000085%; no homozygotes.

Submissions (2):

PreventionGenetics, part of Exact Sciences
Classification: Uncertain significance for BBS10-related condition. Last evaluated: 2025-10-20. Review status: criteria provided, single submitter. Criteria: ACMG Guidelines, 2015. Collection method: clinical testing. Allele origin: germline.
Comment: The BBS10 c.301A>G variant is predicted to result in the amino acid substitution p.Thr101Ala. To our knowledge, this variant has not been reported in the literature. This variant is reported in 0.00088% of alleles in individuals of European (Non-Finnish) descent in gnomAD. At this time, the clinical significance of this variant is uncertain due to the absence of conclusive functional and genetic evidence.

Labcorp Genetics (formerly Invitae), Labcorp
Classification: Uncertain significance for Bardet-Biedl syndrome. Last evaluated: 2022-06-30. Review status: criteria provided, single submitter. Criteria: Invitae Variant Classification Sherloc (09022015). Collection method: clinical testing. Allele origin: germline.
Comment: This sequence change replaces threonine, which is neutral and polar, with alanine, which is neutral and non-polar, at codon 101 of the BBS10 protein (p.Thr101Ala). This variant is present in population databases (no rsID available, gnomAD 0.0009%). This variant has not been reported in the literature in individuals affected with BBS10-related conditions. Algorithms developed to predict the effect of missense changes on protein structure and function (SIFT, PolyPhen-2, Align-GVGD) all suggest that this variant is likely to be tolerated. In summary, the available evidence is currently insufficient to determine the role of this variant in disease. Therefore, it has been classified as a Variant of Uncertain Significance.